The following is an entry in ClinVar:

ClinVar aggregate classification (germline): Uncertain significance (1 of 4 stars; one submission).

Conditions:
Aicardi-Goutieres syndrome 6 (AGS6). Identifiers: Orphanet 51, MedGen C3539013, MONDO:0014007, OMIM 615010.
Symmetrical dyschromatosis of extremities (DSH). Also called: Dyschromatosis symmetrica hereditaria; DYSCHROMATOSIS SYMMETRICA HEREDITARIA 1; RETICULATE ACROPIGMENTATION OF DOHI; SYMMETRIC DYSCHROMATOSIS OF THE EXTREMITIES. Identifiers: Orphanet 41, MedGen C0406775, MONDO:0007483, OMIM 127400.

Allele frequency attached by ClinVar (database versions not stated): gnomAD 0.00001.
gnomAD v4.1: 2 of 1,612,492 alleles (0.00012%); highest among the groups gnomAD compares: Admixed American, 0.0017%; no homozygotes.

Submission:

Labcorp Genetics (formerly Invitae), Labcorp
Classification: Uncertain significance for Aicardi-Goutieres syndrome 6; Symmetrical dyschromatosis of extremities. Last evaluated: 2023-11-10. Review status: criteria provided, single submitter. Criteria: Invitae Variant Classification Sherloc (09022015). Collection method: clinical testing. Allele origin: germline.
Comment: This sequence change replaces serine, which is neutral and polar, with phenylalanine, which is neutral and non-polar, at codon 67 of the ADAR protein (p.Ser67Phe). This variant is present in population databases (no rsID available, gnomAD 0.003%). This variant has not been reported in the literature in individuals affected with ADAR-related conditions. ClinVar contains an entry for this variant (Variation ID: 858014). Algorithms developed to predict the effect of missense changes on protein structure and function output the following: SIFT: "Not Available"; PolyPhen-2: "Benign"; Align-GVGD: "Not Available". The phenylalanine amino acid residue is found in multiple mammalian species, which suggests that this missense change does not adversely affect protein function. In summary, the available evidence is currently insufficient to determine the role of this variant in disease. Therefore, it has been classified as a Variant of Uncertain Significance.

NM_001111.5(ADAR):c.200C>T (p.Ser67Phe)

Gene: ADAR (adenosine deaminase RNA specific; minus strand). Cytogenetic location: 1q21.3.
Variant type: single nucleotide variant.
Coding change: c.200C>T on transcript NM_001111.5 (MANE Select); coding-DNA position 200, C replaced by T.
Protein change: p.Ser67Phe; replaces serine 67 with phenylalanine.
Molecular consequence: missense variant. On other transcripts: 5 prime UTR variant (6).
Genome position (GRCh38, 1-based): chr1:154,602,442, G>A on the plus strand (C>T on the coding strand, the complement: ADAR is on the minus strand). VCF-style: chr1-154602442-G-A. GRCh37 (hg19) VCF-style: chr1-154574918-G-A.
Other names: c.-686C>T (NM_001025107.3, NM_001193495.2, NM_001365048.1); c.227C>T, p.Ser76Phe (NM_001365045.1); c.-550C>T (NM_001365046.1, NM_001365047.1, NM_001365049.1); c.200C>T, p.Ser67Phe (NM_015840.4, NM_015841.4); short protein forms S76F, S67F.
Identifiers: ClinVar variation 858014 (VCV000858014.9), dbSNP rs1367119670, ClinGen allele CA342605946.